The following is an entry in ClinVar:

NM_001194998.2(CEP152):c.1258A>T (p.Ile420Phe)

Gene: CEP152 (centrosomal protein 152; minus strand). Cytogenetic location: 15q21.1.
Variant type: single nucleotide variant.
Coding change: c.1258A>T on transcript NM_001194998.2 (MANE Select); coding-DNA position 1258, A replaced by T.
Protein change: p.Ile420Phe; replaces isoleucine 420 with phenylalanine.
Molecular consequence: missense variant.
Genome position (GRCh38, 1-based): chr15:48,784,036, T>A on the plus strand (A>T on the coding strand, the complement: CEP152 is on the minus strand). VCF-style: chr15-48784036-T-A. GRCh37 (hg19) VCF-style: chr15-49076233-T-A.
Other names: c.1258A>T, p.Ile420Phe (NM_014985.4); short protein forms I420F.
Identifiers: ClinVar variation 316424 (VCV000316424.6), dbSNP rs776999918, ClinGen allele CA7548897.

ClinVar aggregate classification (germline): Uncertain significance. Review status: criteria provided, multiple submitters, no conflicts (2 of 4 stars). 3 submissions from 2 submitters: Uncertain significance (3). Last evaluated 2022-07-05.

Conditions:
Microcephaly 9, primary, autosomal recessive. Identifiers: Orphanet 2512, MedGen C3553886, MONDO:0013923, OMIM 614852.
Seckel syndrome 5 (SCKL5). Identifiers: Orphanet 808, MedGen C3151187, MONDO:0013443, OMIM 613823.

Allele frequency attached by ClinVar (database versions not stated): gnomAD 0.00003; TOPMed 0.00003; gnomAD exomes 0.00006; ExAC 0.00009.
gnomAD v4.1: 94 of 1,613,688 alleles (0.0058%); highest among the groups gnomAD compares: Non-Finnish European, 0.0075%; no homozygotes.

Submissions (3):

Labcorp Genetics (formerly Invitae), Labcorp
Classification: Uncertain significance. Last evaluated: 2022-07-05. Review status: criteria provided, single submitter. Criteria: Invitae Variant Classification Sherloc (09022015). Collection method: clinical testing. Allele origin: germline.
Comment: This sequence change replaces isoleucine, which is neutral and non-polar, with phenylalanine, which is neutral and non-polar, at codon 420 of the CEP152 protein (p.Ile420Phe). This variant is present in population databases (rs776999918, gnomAD 0.01%). This variant has not been reported in the literature in individuals affected with CEP152-related conditions. ClinVar contains an entry for this variant (Variation ID: 316424). Algorithms developed to predict the effect of missense changes on protein structure and function are either unavailable or do not agree on the potential impact of this missense change (SIFT: "Deleterious"; PolyPhen-2: "Probably Damaging"; Align-GVGD: "Class C15"). In summary, the available evidence is currently insufficient to determine the role of this variant in disease. Therefore, it has been classified as a Variant of Uncertain Significance.

Illumina Laboratory Services, Illumina
Classification: Uncertain significance for Seckel syndrome 5. Last evaluated: 2018-01-12. Review status: criteria provided, single submitter. Criteria: ICSL Variant Classification Criteria 13 December 2019. Collection method: clinical testing. Allele origin: germline.

Illumina Laboratory Services, Illumina
Classification: Uncertain significance for Microcephaly 9, primary, autosomal recessive. Last evaluated: 2018-01-12. Review status: criteria provided, single submitter. Criteria: ICSL Variant Classification Criteria 13 December 2019. Collection method: clinical testing. Allele origin: germline.